The following is an entry in ClinVar:

NM_013254.4(TBK1):c.252TAT[1] (p.Ile85del)

Gene: TBK1 (TANK binding kinase 1; plus strand). Cytogenetic location: 12q14.2.
Variant type: Microsatellite.
Coding change: c.252TAT[1] on transcript NM_013254.4 (MANE Select); one copy of the 3-base unit TAT starting at c.252; the reference has two copies in a row; one copy, 3 bases deleted.
Protein change: p.Ile85del; deletes isoleucine 85.
Molecular consequence: inframe deletion.
Genome position (GRCh38, 1-based): chr12:64,464,360-64,464,362, TAT deleted; deleting any 3 consecutive bases within chr12:64,464,356-64,464,362 gives the same sequence; the position shown is the placement nearest the transcript's 3' end. VCF-style (leftmost placement, unchanged base first): chr12-64464355-CTTA-C. GRCh37 (hg19) VCF-style: chr12-64858135-CTTA-C.
Other names: short protein forms I85del.
Identifiers: ClinVar variation 4529666 (VCV004529666.1).
Genomic context (GRCh38, chr12:64,464,355, plus strand): 5'-TTTTTATGTTGATTCCCAATCAATGATTTTTTTTTTCAGACAACAACAAGACATAAAGTA[CTTA>C]TTATGGAATTTTGTCCATGTGGGAGTTTATACACTGTTTTAGAAGAACCTTCTAATGCCT-3'

ClinVar aggregate classification (germline): Likely pathogenic (1 of 4 stars; one submission).

Submission:

GeneDx
Classification: Likely pathogenic. Last evaluated: 2025-05-16. Review status: criteria provided, single submitter. Criteria: GeneDx Variant Classification Process June 2021. Collection method: clinical testing. Allele origin: germline. Affected: yes.
Comment: Reported previously in a patient with ALS who passed away from respiratory involvement (PMID: 31498468); Not observed at significant frequency in large population cohorts (gnomAD); In-frame deletion of 1 amino acid in a non-repeat region; In silico analysis supports a deleterious effect on protein structure/function; This variant is associated with the following publications: (PMID: 31498468)